The following is an entry in ClinVar:

NM_016169.4(SUFU):c.1448T>C (p.Leu483Pro)

Gene: SUFU (SUFU negative regulator of hedgehog signaling; plus strand). Cytogenetic location: 10q24.32.
Variant type: single nucleotide variant.
Coding change: c.1448T>C on transcript NM_016169.4 (MANE Select); coding-DNA position 1448, T replaced by C.
Protein change: p.Leu483Pro; replaces leucine 483 with proline.
Molecular consequence: missense variant.
Genome position (GRCh38, 1-based): chr10:102,630,148, T>C. VCF-style: chr10-102630148-T-C. GRCh37 (hg19) VCF-style: chr10-104389905-T-C.
Other names: short protein forms L483P.
Identifiers: ClinVar variation 406397 (VCV000406397.10), dbSNP rs1060501115, ClinGen allele CA16612993.

ClinVar aggregate classification (germline): Uncertain significance. Review status: criteria provided, multiple submitters, no conflicts (2 of 4 stars). 2 submissions from 2 submitters: Uncertain significance (2). Last evaluated 2026-01-19.

Conditions:
Hereditary cancer-predisposing syndrome. Also called: Neoplastic Syndromes, Hereditary; Tumor predisposition; Hereditary neoplastic syndrome; Hereditary Cancer Syndrome. Identifiers: Orphanet 140162, MedGen C0027672, MeSH D009386, MONDO:0015356.
Gorlin syndrome. Also called: Basal cell nevus syndrome; Nevoid Basal Cell Carcinoma Syndrome. Identifiers: Orphanet 377, MedGen C0004779, MONDO:0007187.
Medulloblastoma (MDB). Also called: Medulloblastoma, somatic; MEDULLOBLASTOMA PREDISPOSITION SYNDROME. Identifiers: Orphanet 616, MedGen C0025149, MeSH D008527, MONDO:0007959, OMIM 155255, HP:0002885.

Submissions (2):

Ambry Genetics
Classification: Uncertain significance for Hereditary cancer-predisposing syndrome. Last evaluated: 2026-01-19. Review status: criteria provided, single submitter. Criteria: Ambry Variant Classification Scheme 2023. Collection method: clinical testing. Allele origin: germline.
Comment: The p.L483P variant (also known as c.1448T>C), located in coding exon 12 of the SUFU gene, results from a T to C substitution at nucleotide position 1448. The leucine at codon 483 is replaced by proline, an amino acid with similar properties. This amino acid position is conserved. In addition, the in silico prediction for this alteration is inconclusive. Based on the available evidence, the clinical significance of this variant remains unclear.

Labcorp Genetics (formerly Invitae), Labcorp
Classification: Uncertain significance for Gorlin syndrome; Medulloblastoma. Last evaluated: 2016-11-21. Review status: criteria provided, single submitter. Criteria: Invitae Variant Classification Sherloc (09022015). Collection method: clinical testing. Allele origin: germline.
Comment: In summary, this variant is a novel missense change with uncertain impact on protein function. It has been classified as a Variant of Uncertain Significance. Algorithms developed to predict the effect of missense changes on protein structure and function (SIFT, PolyPhen-2, Align-GVGD) all suggest that this variant is likely to be disruptive, but these predictions have not been confirmed by published functional studies. This variant is not present in population databases (ExAC no frequency) and has not been reported in the literature in individuals with a SUFU-related disease. This sequence change replaces leucine with proline at codon 483 of the SUFU protein (p.Leu483Pro). The leucine residue is highly conserved and there is a moderate physicochemical difference between leucine and proline.